The following is an entry in ClinVar:

ClinVar aggregate classification (germline): Likely benign (1 of 4 stars; one submission).

Conditions:
PLXNA4-related disorder. Also called: PLXNA4-related condition.

gnomAD v4.1: 2 of 1,605,988 alleles (0.00012%); highest among the groups gnomAD compares: Admixed American, 0.0033%; no homozygotes.

Submission:

PreventionGenetics, part of Exact Sciences
Classification: Likely benign for PLXNA4-related condition. Last evaluated: 2025-12-09. Review status: criteria provided, single submitter. Criteria: ACMG Guidelines, 2015. Collection method: clinical testing. Allele origin: germline.
Comment: This variant is classified as likely benign based on ACMG/AMP sequence variant interpretation guidelines (Richards et al. 2015 PMID: 25741868, with internal and published modifications).

NM_020911.2(PLXNA4):c.1260T>A (p.Arg420=)

Gene: PLXNA4 (plexin A4; minus strand). Cytogenetic location: 7q32.3.
Variant type: single nucleotide variant.
Coding change: c.1260T>A on transcript NM_020911.2 (MANE Select); coding-DNA position 1260, T replaced by A.
Protein change: p.Arg420=; no amino-acid change (arginine 420 retained).
Molecular consequence: synonymous variant.
Genome position (GRCh38, 1-based): chr7:132,489,403, A>T on the plus strand (T>A on the coding strand, the complement: PLXNA4 is on the minus strand). VCF-style: chr7-132489403-A-T. GRCh37 (hg19) VCF-style: chr7-132174162-A-T.
Other names: c.1260T>A, p.Arg420= (NM_001105543.2, NM_001393897.1, NM_181775.4).
Identifiers: ClinVar variation 4987479 (VCV004987479.1).